The following is an entry in ClinVar:

NM_022089.4(ATP13A2):c.1322T>C (p.Ile441Thr)

Gene: ATP13A2 (ATPase cation transporting 13A2; minus strand). Cytogenetic location: 1p36.13.
Variant type: single nucleotide variant.
Coding change: c.1322T>C on transcript NM_022089.4 (MANE Select); coding-DNA position 1322, T replaced by C.
Protein change: p.Ile441Thr; replaces isoleucine 441 with threonine.
Molecular consequence: missense variant.
Genome position (GRCh38, 1-based): chr1:16,996,285, A>G on the plus strand (T>C on the coding strand, the complement: ATP13A2 is on the minus strand). VCF-style: chr1-16996285-A-G. GRCh37 (hg19) VCF-style: chr1-17322780-A-G.
Other names: c.1307T>C, p.Ile436Thr (NM_001141973.3, NM_001141974.3); short protein forms I441T, I436T.
Identifiers: ClinVar variation 2076924 (VCV002076924.4), dbSNP rs956698314, ClinGen allele CA18637264.

ClinVar aggregate classification (germline): Uncertain significance (1 of 4 stars; one submission).

Conditions:
Autosomal recessive spastic paraplegia type 78. Identifiers: Orphanet 513436, MedGen C5567893, MONDO:0014975, OMIM 617225.
Kufor-Rakeb syndrome (KRS). Also called: PARKINSON DISEASE 9, AUTOSOMAL RECESSIVE, JUVENILE-ONSET. Identifiers: Orphanet 306674, Orphanet 314632, MedGen C1847640, MONDO:0011706, OMIM 606693.

Submission:

Labcorp Genetics (formerly Invitae), Labcorp
Classification: Uncertain significance for Kufor-Rakeb syndrome; Autosomal recessive spastic paraplegia type 78. Last evaluated: 2022-07-13. Review status: criteria provided, single submitter. Criteria: Invitae Variant Classification Sherloc (09022015). Collection method: clinical testing. Allele origin: germline.
Comment: In summary, the available evidence is currently insufficient to determine the role of this variant in disease. Therefore, it has been classified as a Variant of Uncertain Significance. This sequence change replaces isoleucine, which is neutral and non-polar, with threonine, which is neutral and polar, at codon 441 of the ATP13A2 protein (p.Ile441Thr). This variant is not present in population databases (gnomAD no frequency). This variant has not been reported in the literature in individuals affected with ATP13A2-related conditions. Advanced modeling of protein sequence and biophysical properties (such as structural, functional, and spatial information, amino acid conservation, physicochemical variation, residue mobility, and thermodynamic stability) performed at Invitae indicates that this missense variant is not expected to disrupt ATP13A2 protein function.